The following is an entry in ClinVar:

NM_002769.5(PRSS1):c.1A>T (p.Met1Leu)

Genes: TRB (T cell receptor beta locus; plus strand), PRSS1 (serine protease 1; plus strand). Cytogenetic location: 7q34.
Variant type: single nucleotide variant.
Coding change: c.1A>T on transcript NM_002769.5 (MANE Select); coding-DNA position 1, A replaced by T.
Protein change: p.Met1Leu; changes the start codon (methionine 1).
Molecular consequence: missense variant, initiator codon variant. On other transcripts: non-coding transcript variant (5).
Genome position (GRCh38, 1-based): chr7:142,749,485, A>T. VCF-style: chr7-142749485-A-T. GRCh37 (hg19) VCF-style: chr7-142457336-A-T.
Other names: short protein forms M1L.
Identifiers: ClinVar variation 2581636 (VCV002581636.2), dbSNP rs1798496896, ClinGen allele CA369606936.
Genomic context (GRCh38, chr7:142,749,485, plus strand): 5'-TGGATCCTCGTGAGGTATAAAGACGAGTCCTCCACCACCAGTCAGGCACACTCTACCACC[A>T]TGAATCCACTCCTGATCCTTACCTTTGTGGCAGCTGCTCGTGAGTATCATGCCCTGCCTC-3'
Protein context (NP_002760.1, residues 1-11): [Met1Leu]NPLLILTFVA

ClinVar aggregate classification (germline): Uncertain significance. Review status: criteria provided, multiple submitters, no conflicts (2 of 4 stars). 2 submissions from 2 submitters: Uncertain significance (2). Last evaluated 2025-07-24.

Conditions:
Hereditary pancreatitis (PCTT). Also called: Hereditary chronic pancreatitis; PRSS1-Related Hereditary Pancreatitis. Identifiers: Orphanet 676, MedGen C0238339, MONDO:0008185, OMIM 167800.

Submissions (2):

Labcorp Genetics (formerly Invitae), Labcorp
Classification: Uncertain significance for Hereditary pancreatitis. Last evaluated: 2025-07-24. Review status: criteria provided, single submitter. Criteria: Invitae Variant Classification Sherloc (09022015). Collection method: clinical testing. Allele origin: germline.
Comment: This sequence change affects the initiator codon of the PRSS1 mRNA. This change may impact translation initiation or efficiency. The next in-frame methionine is located at codon 109. This variant is not present in population databases (gnomAD no frequency). This variant has not been reported in the literature in individuals affected with PRSS1-related conditions. ClinVar contains an entry for this variant (Variation ID: 2581636). Experimental studies and prediction algorithms are not available or were not evaluated, and the functional significance of this variant is currently unknown. In summary, the available evidence is currently insufficient to determine the role of this variant in disease. Therefore, it has been classified as a Variant of Uncertain Significance.

Women's Health and Genetics/Laboratory Corporation of America, LabCorp
Classification: Uncertain significance. Last evaluated: 2023-08-10. Review status: criteria provided, single submitter. Criteria: LabCorp Variant Classification Summary - May 2015. Collection method: clinical testing. Allele origin: germline.
Comment: Variant summary: PRSS1 c.1A>T (p.Met1Leu) alters the initiation codon and is predicted to result either in absence of the protein or truncation of the encoded protein due to translation initiation at a downstream codon, however the molecular mechanism of disease attributed to PRSS1 is gain-of-function. An alternative downstream in-frame start codon (Met109) is located in the encoded protein. An activation of potential downstream translation initiation site would result in a shortened protein missing the first 108 amino acids from the protein sequence. Two of four in-silico tools predict a benign effect of the variant on protein function. The variant was absent in 251492 control chromosomes (gnomAD). The available data on variant occurrences in the general population are insufficient to allow any conclusion about variant significance. To our knowledge, no occurrence of c.1A>T in individuals affected with Chronic Pancreatitis Risk and no experimental evidence demonstrating its impact on protein function have been reported. No submitters have cited clinical-significance assessments for this variant to ClinVar after 2014. Based on the evidence outlined above, the variant was classified as uncertain significance.